The following is an entry in ClinVar:

NM_000053.4(ATP7B):c.1678G>A (p.Ala560Thr)

Gene: ATP7B (ATPase copper transporting beta; minus strand). Cytogenetic location: 13q14.3.
Variant type: single nucleotide variant.
Coding change: c.1678G>A on transcript NM_000053.4 (MANE Select); coding-DNA position 1678, G replaced by A.
Protein change: p.Ala560Thr; replaces alanine 560 with threonine.
Molecular consequence: missense variant. On other transcripts: intron variant (1).
Genome position (GRCh38, 1-based): chr13:51,968,473, C>T on the plus strand (G>A on the coding strand, the complement: ATP7B is on the minus strand). VCF-style: chr13-51968473-C-T. GRCh37 (hg19) VCF-style: chr13-52542609-C-T.
Other names: c.1678G>A, p.Ala560Thr (NM_001005918.3, NM_001330578.2, NM_001330579.2 and 26 more transcripts); c.1345G>A, p.Ala449Thr (NM_001243182.2); c.1645G>A, p.Ala549Thr (NM_001406514.1, NM_001406524.1); c.1582G>A, p.Ala528Thr (NM_001406530.1, NM_001406536.1, NM_001406517.1 and 3 more transcripts); c.1285+5462G>A (NM_001406548.1); c.1249G>A, p.Ala417Thr (NM_001406539.1); short protein forms A417T, A449T, A528T, A549T, A560T.
Identifiers: ClinVar variation 3073199 (VCV003073199.19), dbSNP rs757281957, ClinGen allele CA6989279.

ClinVar aggregate classification (germline): Uncertain significance. Review status: criteria provided, multiple submitters, no conflicts (2 of 4 stars). 3 submissions from 3 submitters: Uncertain significance (3). Last evaluated 2025-09-19.

Conditions:
Wilson disease (WND). Also called: Wilson's disease. Identifiers: Orphanet 905, MedGen C0019202, MONDO:0010200, OMIM 277900. Disease mechanism: loss of function.

gnomAD v4.1: 6 of 1,614,180 alleles (0.00037%); highest among the groups gnomAD compares: African/African-American, 0.0013%; no homozygotes.

Submissions (3):

Color Diagnostics, LLC DBA Color Health
Classification: Uncertain significance for Wilson disease. Last evaluated: 2025-09-19. Review status: criteria provided, single submitter. Criteria: ACMG Guidelines, 2015. Collection method: clinical testing. Allele origin: germline.
Comment: This missense variant replaces alanine with threonine at codon 560 of the ATP7B protein. Computational prediction suggests that this variant may not impact protein structure and function. To our knowledge, functional studies have not been reported for this variant. This variant has not been reported in individuals affected with ATP7B-related disorders in the literature. This variant has been identified in 2/249538 chromosomes in the general population by the Genome Aggregation Database (gnomAD). The available evidence is insufficient to determine the role of this variant in disease conclusively. Therefore, this variant is classified as a Variant of Uncertain Significance.

CeGaT Center for Human Genetics Tuebingen
Classification: Uncertain significance. Last evaluated: 2024-08-01. Review status: criteria provided, single submitter. Criteria: CeGaT Center For Human Genetics Tuebingen Variant Classification Criteria Version 2. Collection method: clinical testing. Allele origin: germline. Affected: yes. Observed: 1 variant allele.
Comment: ATP7B: PM2

All of Us Research Program, National Institutes of Health
Classification: Uncertain significance for Wilson disease. Last evaluated: 2024-03-24. Review status: criteria provided, single submitter. Criteria: ACMG Guidelines, 2015. Collection method: clinical testing. Allele origin: germline. Inheritance: Autosomal recessive inheritance. Observed: 5 variant alleles, 5 heterozygotes.
Comment: This missense variant replaces alanine with threonine at codon 560 of the ATP7B protein. Computational prediction suggests that this variant may not impact protein structure and function (internally defined REVEL score threshold <= 0.5, PMID: 27666373). To our knowledge, functional studies have not been reported for this variant. This variant has not been reported in individuals affected with ATP7B-related disorders in the literature. This variant has been identified in 2/249538 chromosomes in the general population by the Genome Aggregation Database (gnomAD). The available evidence is insufficient to determine the role of this variant in disease conclusively. Therefore, this variant is classified as a Variant of Uncertain Significance.

This study involves interpretation of variants in research participants for the purpose of population health screening. Participant phenotype was not available at the time of variant classification. Additional details can be found in publication PMID: 35346344, PMCID: PMC8962531